The following is an entry in ClinVar:

ClinVar aggregate classification (germline): Uncertain significance. Review status: criteria provided, multiple submitters, no conflicts (2 of 4 stars). 2 submissions from 2 submitters: Uncertain significance (2). Last evaluated 2022-04-30.

Conditions:
Mucopolysaccharidosis type 1. Also called: IDUA deficiency; MPS I. Identifiers: Orphanet 579, MedGen C0023786, MONDO:0001586.

gnomAD v4.1: 1 of 1,612,112 alleles (0.000062%); highest among the groups gnomAD compares: Non-Finnish European, 0.000085%; no homozygotes.

Submissions (2):

Labcorp Genetics (formerly Invitae), Labcorp
Classification: Uncertain significance for Mucopolysaccharidosis type 1. Last evaluated: 2022-04-30. Review status: criteria provided, single submitter. Criteria: Invitae Variant Classification Sherloc (09022015). Collection method: clinical testing. Allele origin: germline.
Comment: In summary, the available evidence is currently insufficient to determine the role of this variant in disease. Therefore, it has been classified as a Variant of Uncertain Significance. Algorithms developed to predict the effect of sequence changes on RNA splicing suggest that this variant may disrupt the consensus splice site. Algorithms developed to predict the effect of missense changes on protein structure and function are either unavailable or do not agree on the potential impact of this missense change (SIFT: "Deleterious"; PolyPhen-2: "Probably Damaging"; Align-GVGD: "Class C0"). ClinVar contains an entry for this variant (Variation ID: 424600). This variant has not been reported in the literature in individuals affected with IDUA-related conditions. This variant is present in population databases (no rsID available, gnomAD 0.0009%). This sequence change replaces glycine, which is neutral and non-polar, with cysteine, which is neutral and slightly polar, at codon 589 of the IDUA protein (p.Gly589Cys).

GeneDx
Classification: Uncertain significance. Last evaluated: 2017-04-01. Review status: criteria provided, single submitter. Criteria: GeneDx Variant Classification (06012015). Collection method: clinical testing. Allele origin: germline. Affected: yes.
Comment: The G589C variant in the IDUA gene has not been reported previously as a pathogenic variant, nor as a benign variant, to our knowledge. The G589C variant is not observed in large population cohorts (Lek et al., 2016; 1000 Genomes Consortium et al., 2015; Exome Variant Server). The G589C variant is a non-conservative amino acid substitution, which is likely to impact secondary protein structure as these residues differ in polarity, charge, size and/or other properties. However, this substitution occurs at a position that is not conserved, and in silico analysis is inconsistent in its predictions as to whether or not the variant is damaging to the protein structure/function. Therefore, we interpret G589C as a variant of uncertain significance.

NM_000203.5(IDUA):c.1765G>T (p.Gly589Cys)

Gene: IDUA (alpha-L-iduronidase; plus strand). Cytogenetic location: 4p16.3.
Variant type: single nucleotide variant.
Coding change: c.1765G>T on transcript NM_000203.5 (MANE Select); coding-DNA position 1765, G replaced by T.
Protein change: p.Gly589Cys; replaces glycine 589 with cysteine.
Molecular consequence: missense variant. On other transcripts: non-coding transcript variant (1).
Genome position (GRCh38, 1-based): chr4:1,004,049, G>T. VCF-style: chr4-1004049-G-T. GRCh37 (hg19) VCF-style: chr4-997837-G-T.
Other names: c.1369G>T, p.Gly457Cys (NM_001363576.1); short protein forms G589C, G457C.
Identifiers: ClinVar variation 424600 (VCV000424600.6), dbSNP rs144941693, ClinGen allele CA16618020.